The following is an entry in ClinVar:

ClinVar aggregate classification (germline): Pathogenic (1 of 4 stars; one submission).

Conditions:
Developmental and epileptic encephalopathy. Identifiers: MedGen C5779964, MONDO:0100620.

Submission:

Labcorp Genetics (formerly Invitae), Labcorp
Classification: Pathogenic for Early-infantile DEE. Last evaluated: 2022-04-13. Review status: criteria provided, single submitter. Criteria: Invitae Variant Classification Sherloc (09022015). Collection method: clinical testing. Allele origin: germline.
Comment: For these reasons, this variant has been classified as Pathogenic. This variant is a gross deletion of the genomic region encompassing exon(s) 3-6 of the KCNQ2 gene. This variant would be expected to be in-frame, preserving the integrity of the reading frame. This variant has not been reported in the literature in individuals affected with KCNQ2-related conditions. This variant disrupts a region of the KCNQ2 protein in which other variant(s) (p.Ala309Val) have been determined to be pathogenic (PMID: 23692823, 29314763). This suggests that this is a clinically significant region of the protein, and that variants that disrupt it are likely to be disease-causing.

Literature cited by the submitters: PubMed 23692823; PubMed 29314763.

NC_000020.10:g.(?_62070931)_(62076737_?)del

Gene: KCNQ2 (potassium voltage-gated channel subfamily Q member 2; minus strand). Cytogenetic location: 20q13.33.
Variant type: Deletion.
Identifiers: ClinVar variation 2427470 (VCV002427470.4).